The following is an entry in ClinVar:

ClinVar aggregate classification (germline): Uncertain significance (1 of 4 stars; one submission).

Conditions:
Cardiovascular phenotype. Identifiers: MedGen CN230736.

Submission:

Ambry Genetics
Classification: Uncertain significance for Cardiovascular phenotype. Last evaluated: 2024-11-18. Review status: criteria provided, single submitter. Criteria: Ambry Variant Classification Scheme 2023. Collection method: clinical testing. Allele origin: germline.
Comment: The p.G2025D variant (also known as c.6074G>A), located in coding exon 45 of the ABCA1 gene, results from a G to A substitution at nucleotide position 6074. The glycine at codon 2025 is replaced by aspartic acid, an amino acid with similar properties. This amino acid position is conserved. In addition, the in silico prediction for this alteration is inconclusive. Based on the available evidence, the clinical significance of this variant remains unclear.

NM_005502.4(ABCA1):c.6074G>A (p.Gly2025Asp)

Genes: ABCA1 (ATP binding cassette subfamily A member 1; minus strand), NIPSNAP3B (nipsnap homolog 3B; plus strand). Cytogenetic location: 9q31.1.
Variant type: single nucleotide variant.
Coding change: c.6074G>A on transcript NM_005502.4 (MANE Select); coding-DNA position 6074, G replaced by A.
Protein change: p.Gly2025Asp; replaces glycine 2025 with aspartic acid.
Molecular consequence: missense variant.
Genome position (GRCh38, 1-based): chr9:104,788,050, C>T on the plus strand (G>A on the coding strand, the complement: ABCA1 is on the minus strand). VCF-style: chr9-104788050-C-T. GRCh37 (hg19) VCF-style: chr9-107550331-C-T.
Other names: short protein forms G2025D.
Identifiers: ClinVar variation 3495294 (VCV003495294.1).
Genomic context (GRCh38, chr9:104,788,050, plus strand): 5'-TAGTTACCAGCATATTTTTCTCCATACTTCACGAGGCCCAGTTTCCGAATCGCCCACTCA[C>T]CAACCTACAGTGATAAAAAGCACCTTGACTTTGGTCTGGCTTGGGAATTTTATCATGCTG-3'
Protein context (NP_005493.2, residues 2015-2035): GVPEKEVGKV[Gly2025Asp]EWAIRKLGLV